The following is an entry in ClinVar:

NM_000038.6(APC):c.4203del (p.Ile1401fs)

Gene: APC (APC regulator of Wnt signaling pathway; plus strand). Cytogenetic location: 5q22.2.
Variant type: Deletion.
Coding change: c.4203del on transcript NM_000038.6 (MANE Select); coding-DNA position 4203, one base deleted (T; older notation c.4203delT).
Protein change: p.Ile1401fs; shifts the reading frame from isoleucine 1401.
Molecular consequence: frameshift variant. On other transcripts: non-coding transcript variant (2).
Genome position (GRCh38, 1-based): chr5:112,839,797, T deleted; the last of 2 consecutive T bases (chr5:112,839,796-112,839,797); deleting either gives the same sequence. VCF-style (leftmost placement, unchanged base first): chr5-112839795-AT-A. GRCh37 (hg19) VCF-style: chr5-112175492-AT-A.
Other names: c.4203del, p.Ile1401fs (NM_001127510.3, NM_001354895.2, NM_001407450.1); c.4149del, p.Ile1383fs (NM_001127511.3); c.4257del, p.Ile1419fs (NM_001354896.2, NM_001407447.1, NM_001407448.1 and 1 more transcripts); c.4233del, p.Ile1411fs (NM_001354897.2); c.4128del, p.Ile1376fs (NM_001354898.2); c.4119del, p.Ile1373fs (NM_001354899.2); c.4080del, p.Ile1360fs (NM_001354900.2); c.4026del, p.Ile1342fs (NM_001354901.2, NM_001407453.1); and 11 more; short protein forms I1118fs, I1241fs, I1275fs, I1318fs, I1373fs, I1401fs, I1411fs, I1419fs.
Identifiers: ClinVar variation 2566995 (VCV002566995.2), dbSNP rs1580645285, ClinGen allele CA445964204.

ClinVar aggregate classification (germline): Pathogenic (1 of 4 stars; one submission).

Conditions:
Hereditary cancer-predisposing syndrome. Also called: Hereditary neoplastic syndrome; Hereditary Cancer Syndrome; Neoplastic Syndromes, Hereditary; Tumor predisposition. Identifiers: Orphanet 140162, MedGen C0027672, MeSH D009386, MONDO:0015356.

Submission:

Ambry Genetics
Classification: Pathogenic for Hereditary cancer-predisposing syndrome. Last evaluated: 2023-05-09. Review status: criteria provided, single submitter. Criteria: Ambry Variant Classification Scheme 2023. Collection method: clinical testing. Allele origin: germline.
Comment: The c.4203delT pathogenic mutation, located in coding exon 15 of the APC gene, results from a deletion of one nucleotide at nucleotide position 4203, causing a translational frameshift with a predicted alternate stop codon (p.I1401Mfs*14). This alteration occurs at the 3' terminus of theAPC gene, is not expected to trigger nonsense-mediated mRNA decay, and impacts the last 1443 amino acids of the protein. However, premature stop codons are typically deleterious in natureand the impacted region is critical for protein function and a significant portion of the protein is affected (Ambry internal data). This alteration has been observed in at least one individual with a personal and/or family history that is consistent with APC-related disease (Ambry internal data). This variant is considered to be rare based on population cohorts in the Genome Aggregation Database (gnomAD). Based on the supporting evidence, this alteration is interpreted as a disease-causing mutation.